The following is an entry in ClinVar:

ClinVar aggregate classification (germline): Uncertain significance (1 of 4 stars; one submission).

Allele frequency attached by ClinVar (database versions not stated): ExAC 0.00002; gnomAD 0.00005; gnomAD exomes 0.00002; TOPMed 0.00003.
gnomAD v4.1: 36 of 1,614,074 alleles (0.0022%); highest among the groups gnomAD compares: Admixed American, 0.017%; no homozygotes.

Submission:

Labcorp Genetics (formerly Invitae), Labcorp
Classification: Uncertain significance. Last evaluated: 2025-03-24. Review status: criteria provided, single submitter. Criteria: Invitae Variant Classification Sherloc (09022015). Collection method: clinical testing. Allele origin: germline.
Comment: This sequence change replaces glutamic acid, which is acidic and polar, with lysine, which is basic and polar, at codon 910 of the ALPK1 protein (p.Glu910Lys). This variant is present in population databases (rs775430204, gnomAD 0.02%). This variant has not been reported in the literature in individuals affected with ALPK1-related conditions. ClinVar contains an entry for this variant (Variation ID: 2721363). Invitae Evidence Modeling of protein sequence and biophysical properties (such as structural, functional, and spatial information, amino acid conservation, physicochemical variation, residue mobility, and thermodynamic stability) indicates that this missense variant is expected to disrupt ALPK1 protein function with a positive predictive value of 80%. In summary, the available evidence is currently insufficient to determine the role of this variant in disease. Therefore, it has been classified as a Variant of Uncertain Significance.

NM_025144.4(ALPK1):c.2728G>A (p.Glu910Lys)

Gene: ALPK1 (alpha kinase 1; plus strand). Cytogenetic location: 4q25.
Variant type: single nucleotide variant.
Coding change: c.2728G>A on transcript NM_025144.4 (MANE Select); coding-DNA position 2728, G replaced by A.
Protein change: p.Glu910Lys; replaces glutamic acid 910 with lysine.
Molecular consequence: missense variant.
Genome position (GRCh38, 1-based): chr4:112,432,275, G>A. VCF-style: chr4-112432275-G-A. GRCh37 (hg19) VCF-style: chr4-113353431-G-A.
Other names: c.2728G>A, p.Glu910Lys (NM_001102406.2); c.2494G>A, p.Glu832Lys (NM_001253884.2); short protein forms E832K, E910K.
Identifiers: ClinVar variation 2721363 (VCV002721363.3), dbSNP rs775430204, ClinGen allele CA3046977.